The following is an entry in ClinVar:

ClinVar aggregate classification (germline): Pathogenic (1 of 4 stars; one submission).

Conditions:
Pontocerebellar hypoplasia type 1A (PCH1A). Also called: PONTOCEREBELLAR HYPOPLASIA WITH ANTERIOR HORN CELL DISEASE; PONTOCEREBELLAR HYPOPLASIA WITH INFANTILE SPINAL MUSCULAR ATROPHY. Identifiers: Orphanet 2254, Orphanet 88616, MedGen C1843504, MONDO:0011866, OMIM 607596.

Submission:

Myriad Genetics, Inc.
Classification: Pathogenic for Pontocerebellar hypoplasia type 1A. Last evaluated: 2024-05-14. Review status: criteria provided, single submitter. Criteria: Myriad Autosomal Dominant, Autosomal Recessive and X-Linked Classification Criteria (2023). Collection method: clinical testing. Allele origin: unknown.
Comment: NM_003384.2(VRK1):c.646_647ins11(D216Afs*40) is expected to be pathogenic in the context of pontocerebellar hypoplasia, VRK1-related. This variant is predicted to lead to an abnormal or absent protein product due to the creation of a premature termination codon in VRK1, a gene where loss-of-function variants are known to be pathogenic. Please note: this variant was assessed in the context of healthy population screening.

NM_003384.3(VRK1):c.646_647insCTGTCTCTTAT (p.Asp216fs)

Gene: VRK1 (VRK serine/threonine kinase 1; plus strand). Cytogenetic location: 14q32.2.
Variant type: Insertion.
Coding change: c.646_647insCTGTCTCTTAT on transcript NM_003384.3 (MANE Select); coding-DNA positions 646 to 647, CTGTCTCTTAT inserted.
Protein change: p.Asp216fs; shifts the reading frame from aspartic acid 216.
Molecular consequence: frameshift variant.
Genome position: GRCh38 VCF-style: chr14-96855293-G-GCTGTCTCTTAT. GRCh37 (hg19) VCF-style: chr14-97321630-G-GCTGTCTCTTAT.
Other names: c.646_647insCTGTCTCTTAT, p.Asp216fs (NM_001411051.1, NM_001411053.1); short protein forms D216fs.
Identifiers: ClinVar variation 5010575 (VCV005010575.1).